The following is an entry in ClinVar:

NM_005566.4(LDHA):c.640_641del (p.Leu214fs)

Gene: LDHA (lactate dehydrogenase A; plus strand). Cytogenetic location: 11p15.1.
Variant type: Microsatellite.
Coding change: c.640_641del on transcript NM_005566.4 (MANE Select); coding-DNA positions 640 to 641, 2 bases deleted (CT; older notation c.640_641delCT).
Protein change: p.Leu214fs; shifts the reading frame from leucine 214.
Molecular consequence: frameshift variant. On other transcripts: non-coding transcript variant (1).
Genome position (GRCh38, 1-based): chr11:18,403,741-18,403,742, CT deleted; deleting any 2 consecutive bases within chr11:18,403,739-18,403,742 gives the same sequence; the c. name uses the placement nearest the transcript's 3' end. VCF-style (leftmost placement, unchanged base first): chr11-18403738-ACT-A. GRCh37 (hg19) VCF-style: chr11-18425285-ACT-A.
Other names: c.466_467del, p.Leu156fs (NM_001135239.2); c.727_728del, p.Leu243fs (NM_001165414.2); c.640_641del, p.Leu214fs (NM_001165415.2, NM_001165416.2); short protein forms L243fs, L214fs, L156fs.
Identifiers: ClinVar variation 4709813 (VCV004709813.2).
Genomic context (GRCh38, chr11:18,403,738, plus strand): 5'-GTACTATTTCTTTTAGTGCCTGTATGGAGTGGAATGAATGTTGCTGGTGTCTCTCTGAAG[ACT>A]CTGCACCCAGATTTAGGGACTGATAAAGATAAGGAACAGTGGAAAGAGGTTCACAAGCAG-3'

ClinVar aggregate classification (germline): Pathogenic/Likely pathogenic. Review status: criteria provided, multiple submitters, no conflicts (2 of 4 stars). 2 submissions from 2 submitters: Pathogenic (1); Likely pathogenic (1). Last evaluated 2025-04-11.

Conditions:
Glycogen storage disease due to lactate dehydrogenase M-subunit deficiency (GSD11). Also called: GSD XI; LACTATE DEHYDROGENASE A DEFICIENCY; Glycogen storage disease XI. Identifiers: Orphanet 284426, MedGen C2931743, MONDO:0013047, OMIM 612933.
LDHA-related disorders.

Submissions (2):

Labcorp Genetics (formerly Invitae), Labcorp
Classification: Pathogenic for Glycogen storage disease due to lactate dehydrogenase M-subunit deficiency. Last evaluated: 2025-04-11. Review status: criteria provided, single submitter. Criteria: Invitae Variant Classification Sherloc (09022015). Collection method: clinical testing. Allele origin: germline.
Comment: This sequence change creates a premature translational stop signal (p.Leu214Alafs*7) in the LDHA gene. It is expected to result in an absent or disrupted protein product. Loss-of-function variants in LDHA are known to be pathogenic (PMID: 1959923). This variant is present in population databases (rs758692078, gnomAD 0.01%). This premature translational stop signal has been observed in individual(s) with lactate dehydrogenase deficiency (PMID: 7944300). For these reasons, this variant has been classified as Pathogenic.

Blueprint Genetics
Classification: Likely pathogenic for LDHA-related disorders. Last evaluated: 2019-02-15. Review status: criteria provided, single submitter. Criteria: ACMG Guidelines, 2015. Collection method: clinical testing. Allele origin: germline. Affected: yes. Observed: 1 variant allele.

Literature cited by the submitters: PubMed 1959923 (cited by Labcorp Genetics (formerly Invitae), Labcorp); PubMed 7944300 (cited by Labcorp Genetics (formerly Invitae), Labcorp).